The following is an entry in ClinVar:

ClinVar aggregate classification (germline): Uncertain significance (1 of 4 stars; one submission).

Conditions:
Asphyxiating thoracic dystrophy 3. Also called: SHORT-RIB THORACIC DYSPLASIA 3 WITH OR WITHOUT POLYDACTYLY; POLYDACTYLY WITH NEONATAL CHONDRODYSTROPHY, TYPE I; SHORT-RIB THORACIC DYSPLASIA 3/6 WITH POLYDACTYLY, DIGENIC; Short rib polydactyly syndrome 2B; Saldino-Noonan Syndrome. Identifiers: Orphanet 474, Orphanet 93269, Orphanet 93270, Orphanet 93271, MedGen C0036069, MONDO:0013127, OMIM 613091.

Allele frequency attached by ClinVar (database versions not stated): gnomAD 0.00003; ESP Exome Variant Server 0.00008.
gnomAD v4.1: 144 of 1,612,486 alleles (0.0089%); highest among the groups gnomAD compares: Non-Finnish European, 0.012%; no homozygotes.

Submission:

ARUP Laboratories, Molecular Genetics and Genomics, ARUP Laboratories
Classification: Uncertain significance for Asphyxiating thoracic dystrophy 3. Last evaluated: 2020-03-17. Review status: criteria provided, single submitter. Criteria: ARUP Molecular Germline Variant Investigation Process. Collection method: clinical testing. Allele origin: germline.
Comment: The DYNC2H1 c.6700A>T; p.Thr2234Ser variant (rs370888884), to our knowledge, is not reported in the medical literature or gene specific databases. This variant is found in the non-Finnish European population with an allele frequency of 0.01% (11/112,314 alleles) in the Genome Aggregation Database. The threonine at codon 2234 is weakly conserved, and computational analyses (SIFT, PolyPhen-2) predict that this variant is tolerated. Due to limited information, the clinical significance of the p.Thr2234Ser variant is uncertain at this time. Pathogenic variants in DYNC2H1 are associated with autosomal recessive short-rib thoracic dysplasia 3 with or without polydactyly (MIM: 613091).

NM_001377.3(DYNC2H1):c.6700A>T (p.Thr2234Ser)

Gene: DYNC2H1 (dynein cytoplasmic 2 heavy chain 1; plus strand). Cytogenetic location: 11q22.3.
Variant type: single nucleotide variant.
Coding change: c.6700A>T on transcript NM_001377.3 (MANE Select); coding-DNA position 6700, A replaced by T.
Protein change: p.Thr2234Ser; replaces threonine 2234 with serine.
Molecular consequence: missense variant.
Genome position (GRCh38, 1-based): chr11:103,186,308, A>T. VCF-style: chr11-103186308-A-T. GRCh37 (hg19) VCF-style: chr11-103057037-A-T.
Other names: c.6700A>T, p.Thr2234Ser (NM_001080463.2); short protein forms T2234S.
Identifiers: ClinVar variation 995611 (VCV000995611.8), dbSNP rs370888884, ClinGen allele CA6254047.
Genomic context (GRCh38, chr11:103,186,308, plus strand): 5'-CATTGGGCACGAGAATCTCCTCCAGACTTTCACAAACCTATGGATACCTACTATGACTCT[A>T]CTAGGGGTCGATTAGCAACATATGTGCTTAAGAAGCCAGAAGACTTGACTGCTGATGATT-3'
Protein context (NP_001368.2, residues 2224-2244): HKPMDTYYDS[Thr2234Ser]RGRLATYVLK